The following is an entry in ClinVar:

GRCh38/hg38 16q22.1(chr16:67623831-67627229)x1

Gene: CTCF (CCCTC-binding factor; plus strand). Cytogenetic location: 16q22.1.
Variant type: copy number loss.
Change: copy number 1 (one copy instead of two) of chr16:67,623,831-67,627,229 (3.4 kb, GRCh38 coordinates, 1-based), cytogenetic band 16q22.1.
Identifiers: ClinVar variation 3571458 (VCV003571458.1).

ClinVar aggregate classification (germline): Pathogenic (1 of 4 stars; one submission).

Conditions:
CTCF-related neurodevelopmental disorder. Also called: Intellectual disability-feeding difficulties-developmental delay-microcephaly syndrome; INTELLECTUAL DEVELOPMENTAL DISORDER, AUTOSOMAL DOMINANT 21. Identifiers: Orphanet 363611, MedGen C3809686, MONDO:0014213, OMIM 615502.

Submission:

Broad Center for Mendelian Genomics, Broad Institute of MIT and Harvard
Classification: Pathogenic for CTCF-related neurodevelopmental disorder. Last evaluated: 2024-12-09. Review status: criteria provided, single submitter. Criteria: ACMG/ClinGen CNV Guidelines, 2019. Collection method: research. Allele origin: de novo. Inheritance: Autosomal dominant inheritance. Affected: yes. Study: GREGoR Consortium.
Comment: The patient phenotype is nonspecific, but is consistent with cases described in the literature. This intragenic variant is predicted to cause a frameshift, which alters the protein’s amino acid sequence beginning at exon 8 and leads to a premature termination codon. This alteration is then predicted to lead to a truncated or absent protein. Heterozygous loss of function of the CTCF gene is an established disease mechanism in syndromic intellectual disability. In summary, this variant meets criteria to be classified as pathogenic for autosomal dominant syndromic intellectual disability. The ACMG/ClinGen evidence codes and points used in this curation are as follows: 1: 0 points, 2: 0.9 points, 3: 0 points, 4-5: 0.15 points; Total: 1.05 points; Riggs 2020 (PMID: 31690835).